The following is an entry in ClinVar:

ClinVar aggregate classification (germline): Likely benign (0 of 4 stars; one submission).

Conditions:
POU6F2-related disorder. Also called: POU6F2-related condition.

Allele frequency attached by ClinVar (database versions not stated): gnomAD 0.00001; 1000 Genomes Project 0.00180.

Submission:

PreventionGenetics, part of Exact Sciences
Classification: Likely benign for POU6F2-related condition. Last evaluated: 2023-05-04. Review status: no assertion criteria provided. Collection method: clinical testing. Allele origin: germline.
Comment: This variant is classified as likely benign based on ACMG/AMP sequence variant interpretation guidelines (Richards et al. 2015 PMID: 25741868, with internal and published modifications).

NM_001370959.1(POU6F2):c.639C>G (p.Leu213=)

Gene: POU6F2 (POU class 6 homeobox 2; plus strand). Cytogenetic location: 7p14.1.
Variant type: single nucleotide variant.
Coding change: c.639C>G on transcript NM_001370959.1 (MANE Select); coding-DNA position 639, C replaced by G.
Protein change: p.Leu213=; no amino-acid change (leucine 213 retained).
Molecular consequence: synonymous variant.
Genome position (GRCh38, 1-based): chr7:39,339,682, C>G. VCF-style: chr7-39339682-C-G. GRCh37 (hg19) VCF-style: chr7-39379281-C-G.
Other names: c.552C>G, p.Leu184= (NM_001166018.2, NM_007252.4).
Identifiers: ClinVar variation 3046941 (VCV003046941.2), dbSNP rs538979252, ClinGen allele CA4227576.